The following is an entry in ClinVar:

ClinVar aggregate classification (germline): Pathogenic (1 of 4 stars; one submission).

Conditions:
Hereditary cancer-predisposing syndrome. Also called: Neoplastic Syndromes, Hereditary; Tumor predisposition; Hereditary Cancer Syndrome; Hereditary neoplastic syndrome. Identifiers: Orphanet 140162, MedGen C0027672, MeSH D009386, MONDO:0015356.

Submission:

Ambry Genetics
Classification: Pathogenic for Hereditary cancer-predisposing syndrome. Last evaluated: 2021-03-15. Review status: criteria provided, single submitter. Criteria: Ambry Variant Classification Scheme 2023. Collection method: clinical testing. Allele origin: germline.
Comment: The c.2228_2229insAT pathogenic mutation, located in coding exon 4 of the MSH6 gene, results from an insertion of two nucleotides at position 2228, causing a translational frameshift with a predicted alternate stop codon (p.E744Wfs*5). This alteration is expected to result in loss of function by premature protein truncation or nonsense-mediated mRNA decay. As such, this alteration is interpreted as a disease-causing mutation.

NM_000179.3(MSH6):c.2228_2229insAT (p.Glu744fs)

Gene: MSH6 (mutS homolog 6; plus strand). Cytogenetic location: 2p16.3.
Variant type: Insertion.
Coding change: c.2228_2229insAT on transcript NM_000179.3 (MANE Select); coding-DNA positions 2228 to 2229, AT inserted.
Protein change: p.Glu744fs; shifts the reading frame from glutamic acid 744.
Molecular consequence: frameshift variant.
Genome position: GRCh38 VCF-style: chr2-47800210-T-TTA. GRCh37 (hg19) VCF-style: chr2-48027349-T-TTA.
Other names: c.1838_1839insAT, p.Glu614fs (NM_001281492.2); c.1322_1323insAT, p.Glu442fs (NM_001281493.2, NM_001281494.2); c.2324_2325insAT, p.Glu776Trpfs (NM_001406795.1, NM_001406802.1); c.2228_2229insAT, p.Glu744Trpfs (NM_001406796.1, NM_001406798.1, NM_001406800.1 and 3 more transcripts); c.1931_1932insAT, p.Glu645Trpfs (NM_001406797.1, NM_001406801.1, NM_001406805.1 and 10 more transcripts); c.1703_1704insAT, p.Glu569Trpfs (NM_001406799.1, NM_001406806.1, NM_001406807.1); c.2150_2151insAT, p.Glu718Trpfs (NM_001406804.1); c.1322_1323insAT, p.Glu442Trpfs (NM_001406811.1, NM_001406812.1, NM_001406814.1 and 4 more transcripts); and 2 more; short protein forms E442fs, E744fs, E614fs.
Identifiers: ClinVar variation 1788018 (VCV001788018.2), dbSNP rs2530659019, ClinGen allele CA2580067798.